The following is an entry in ClinVar:

NM_001556.3(IKBKB):c.675C>G (p.Asn225Lys)

Gene: IKBKB (inhibitor of nuclear factor kappa B kinase subunit beta; plus strand). Cytogenetic location: 8p11.21.
Variant type: single nucleotide variant.
Coding change: c.675C>G on transcript NM_001556.3 (MANE Select); coding-DNA position 675, C replaced by G.
Protein change: p.Asn225Lys; replaces asparagine 225 with lysine.
Molecular consequence: missense variant. On other transcripts: non-coding transcript variant (3).
Genome position (GRCh38, 1-based): chr8:42,309,008, C>G. VCF-style: chr8-42309008-C-G. GRCh37 (hg19) VCF-style: chr8-42166526-C-G.
Other names: c.675C>G (NM_001556.2); c.483C>G, p.Asn161Lys (NM_001190720.3); c.498C>G, p.Asn166Lys (NM_001242778.2); short protein forms N166K, N225K, N161K.
Identifiers: ClinVar variation 1370292 (VCV001370292.7), dbSNP rs368588487, ClinGen allele CA371080710.

ClinVar aggregate classification (germline): Uncertain significance. Review status: criteria provided, multiple submitters, no conflicts (2 of 4 stars). 2 submissions from 2 submitters: Uncertain significance (2). Last evaluated 2022-05-18.

Conditions:
Inborn genetic diseases. Identifiers: MedGen C0950123, MeSH D030342.
Severe combined immunodeficiency due to IKK2 deficiency. Also called: IMMUNODEFICIENCY 15B; Immunodeficiency 15. Identifiers: Orphanet 397787, MedGen C4747743, MONDO:0014267, OMIM 615592.

Submissions (2):

Ambry Genetics
Classification: Uncertain significance for Inborn genetic diseases. Last evaluated: 2022-05-18. Review status: criteria provided, single submitter. Criteria: Ambry Variant Classification Scheme 2023. Collection method: clinical testing. Allele origin: germline.

Labcorp Genetics (formerly Invitae), Labcorp
Classification: Uncertain significance for Severe combined immunodeficiency due to IKK2 deficiency. Last evaluated: 2021-09-30. Review status: criteria provided, single submitter. Criteria: Invitae Variant Classification Sherloc (09022015). Collection method: clinical testing. Allele origin: germline.
Comment: In summary, the available evidence is currently insufficient to determine the role of this variant in disease. Therefore, it has been classified as a Variant of Uncertain Significance. Algorithms developed to predict the effect of sequence changes on RNA splicing suggest that this variant may create or strengthen a splice site. This sequence change replaces asparagine with lysine at codon 225 of the IKBKB protein (p.Asn225Lys). The asparagine residue is highly conserved and there is a moderate physicochemical difference between asparagine and lysine. This variant is not present in population databases (ExAC no frequency). This variant has not been reported in the literature in individuals affected with IKBKB-related conditions. Advanced modeling of protein sequence and biophysical properties (such as structural, functional, and spatial information, amino acid conservation, physicochemical variation, residue mobility, and thermodynamic stability) performed at Invitae indicates that this missense variant is not expected to disrupt IKBKB protein function.